The following is an entry in ClinVar:

NM_018406.7(MUC4):c.14835G>A (p.Ala4945=)

Gene: MUC4 (mucin 4, cell surface associated). Cytogenetic location: 3q29.
Variant type: single nucleotide variant.
Coding change: c.14835G>A on transcript NM_018406.7 (MANE Select); coding-DNA position 14835, G replaced by A.
Protein change: p.Ala4945=; no amino-acid change (alanine 4945 retained).
Molecular consequence: synonymous variant.
Genome position (GRCh38, 1-based): chr3:195,760,897, C>T on the plus strand (G>A on the coding strand, the complement: MUC4 is on the minus strand). VCF-style: chr3-195760897-C-T. GRCh37 (hg19) VCF-style: chr3-195487768-C-T.
Other names: c.20853G>A, p.Ala6951= (NM_001322468.1); c.2127G>A, p.Ala709= (NM_004532.6); c.1974G>A, p.Ala658= (NM_138297.5).
Identifiers: ClinVar variation 2654374 (VCV002654374.24), dbSNP rs187652903, ClinGen allele CA2767743.

ClinVar aggregate classification (germline): Likely benign (1 of 4 stars; one submission).

Allele frequency attached by ClinVar (database versions not stated): gnomAD exomes 0.00002; ExAC 0.00006; TOPMed 0.00010; ESP Exome Variant Server 0.00015; gnomAD 0.00016; 1000 Genomes Project 0.00020; 1000 Genomes Project 30x 0.00031.
gnomAD v4.1: 49 of 1,614,094 alleles (0.003%); highest among the groups gnomAD compares: African/African-American, 0.044%; no homozygotes.

Submission:

CeGaT Center for Human Genetics Tuebingen
Classification: Likely benign. Last evaluated: 2022-08-01. Review status: criteria provided, single submitter. Criteria: CeGaT Center For Human Genetics Tuebingen Variant Classification Criteria Version 2. Collection method: clinical testing. Allele origin: germline. Affected: yes. Observed: 1 variant allele.
Comment: MUC4: BP4, BP7